The following is an entry in ClinVar:

ClinVar aggregate classification (germline): Uncertain significance (1 of 4 stars; one submission).

Conditions:
Idiopathic generalized epilepsy. Also called: EIG; Generalised epilepsy. Identifiers: MedGen C0270850, MONDO:0005579, OMIM 600669.
Hyperaldosteronism, familial, type IV (HALD4). Also called: FH IV; ALDOSTERONISM, PRIMARY, AND HYPERTENSION. Identifiers: Orphanet 642671, MedGen C4310756, MONDO:0014875, OMIM 617027.

Allele frequency attached by ClinVar (database versions not stated): TOPMed below 0.00001.
gnomAD v4.1: 2 of 1,603,080 alleles (0.00012%); highest among the groups gnomAD compares: East Asian, 0.0022%; no homozygotes.

Submission:

Labcorp Genetics (formerly Invitae), Labcorp
Classification: Uncertain significance for Idiopathic generalized epilepsy; Hyperaldosteronism, familial, type IV. Last evaluated: 2022-12-08. Review status: criteria provided, single submitter. Criteria: Invitae Variant Classification Sherloc (09022015). Collection method: clinical testing. Allele origin: germline.
Comment: In summary, the available evidence is currently insufficient to determine the role of this variant in disease. Therefore, it has been classified as a Variant of Uncertain Significance. Advanced modeling of protein sequence and biophysical properties (such as structural, functional, and spatial information, amino acid conservation, physicochemical variation, residue mobility, and thermodynamic stability) performed at Invitae indicates that this missense variant is expected to disrupt CACNA1H protein function. This variant has not been reported in the literature in individuals affected with CACNA1H-related conditions. This variant is not present in population databases (gnomAD no frequency). This sequence change replaces aspartic acid, which is acidic and polar, with glutamic acid, which is acidic and polar, at codon 953 of the CACNA1H protein (p.Asp953Glu).

NM_021098.3(CACNA1H):c.2859C>G (p.Asp953Glu)

Gene: CACNA1H (calcium voltage-gated channel subunit alpha1 H; plus strand). Cytogenetic location: 16p13.3.
Variant type: single nucleotide variant.
Coding change: c.2859C>G on transcript NM_021098.3 (MANE Select); coding-DNA position 2859, C replaced by G.
Protein change: p.Asp953Glu; replaces aspartic acid 953 with glutamic acid.
Molecular consequence: missense variant.
Genome position (GRCh38, 1-based): chr16:1,207,070, C>G. VCF-style: chr16-1207070-C-G. GRCh37 (hg19) VCF-style: chr16-1257070-C-G.
Other names: c.2859C>G, p.Asp953Glu (NM_001005407.2); short protein forms D953E.
Identifiers: ClinVar variation 2937076 (VCV002937076.3), dbSNP rs753709912, ClinGen allele CA394170107.